The following is an entry in ClinVar:

NM_004006.3(DMD):c.4970A>C (p.Asn1657Thr)

Gene: DMD (dystrophin; minus strand). Cytogenetic location: Xp21.1.
Variant type: single nucleotide variant.
Coding change: c.4970A>C on transcript NM_004006.3 (MANE Select); coding-DNA position 4970, A replaced by C.
Protein change: p.Asn1657Thr; replaces asparagine 1657 with threonine.
Molecular consequence: missense variant.
Genome position (GRCh38, 1-based): chrX:32,365,075, T>G on the plus strand (A>C on the coding strand, the complement: DMD is on the minus strand). VCF-style: chrX-32365075-T-G. GRCh37 (hg19) VCF-style: chrX-32383192-T-G.
Other names: c.4946A>C, p.Asn1649Thr (NM_000109.4); c.4958A>C, p.Asn1653Thr (NM_004009.3); c.4601A>C, p.Asn1534Thr (NM_004010.3); c.947A>C, p.Asn316Thr (NM_004011.4); c.938A>C, p.Asn313Thr (NM_004012.4); short protein forms N1653T, N316T, N1649T, N313T, N1534T, N1657T.
Identifiers: ClinVar variation 2159686 (VCV002159686.4), dbSNP rs1299245467, ClinGen allele CA412671954.

ClinVar aggregate classification (germline): Uncertain significance (1 of 4 stars; one submission).

Conditions:
Duchenne muscular dystrophy (DMD). Also called: MUSCULAR DYSTROPHY, PSEUDOHYPERTROPHIC PROGRESSIVE, DUCHENNE TYPE; Duchenne Muscular Dystrophy (DMD). Identifiers: Orphanet 98896, MedGen C0013264, MONDO:0010679, OMIM 310200.

Allele frequency attached by ClinVar (database versions not stated): gnomAD exomes below 0.00001.
gnomAD v4.1: 1 of 1,210,954 alleles (0.000083%); highest among the groups gnomAD compares: Non-Finnish European, 0.00011%; no homozygotes.

Submission:

Labcorp Genetics (formerly Invitae), Labcorp
Classification: Uncertain significance for Duchenne muscular dystrophy. Last evaluated: 2024-10-22. Review status: criteria provided, single submitter. Criteria: Invitae Variant Classification Sherloc (09022015). Collection method: clinical testing. Allele origin: germline.
Comment: This sequence change replaces asparagine, which is neutral and polar, with threonine, which is neutral and polar, at codon 1657 of the DMD protein (p.Asn1657Thr). This variant is not present in population databases (gnomAD no frequency). This variant has not been reported in the literature in individuals affected with DMD-related conditions. ClinVar contains an entry for this variant (Variation ID: 2159686). Invitae Evidence Modeling of protein sequence and biophysical properties (such as structural, functional, and spatial information, amino acid conservation, physicochemical variation, residue mobility, and thermodynamic stability) indicates that this missense variant is not expected to disrupt DMD protein function with a negative predictive value of 95%. In summary, the available evidence is currently insufficient to determine the role of this variant in disease. Therefore, it has been classified as a Variant of Uncertain Significance.